The following is an entry in ClinVar:

ClinVar aggregate classification (germline): Pathogenic (1 of 4 stars; one submission).

Submission:

GeneDx
Classification: Pathogenic. Last evaluated: 2025-04-29. Review status: criteria provided, single submitter. Criteria: GeneDx Variant Classification Process June 2021. Collection method: clinical testing. Allele origin: germline. Affected: yes.
Comment: Nonsense variant predicted to result in protein truncation or nonsense mediated decay in a gene for which loss of function is a known mechanism of disease; Not observed in large population cohorts (gnomAD); Has not been previously published as pathogenic or benign to our knowledge

NM_015057.5(MYCBP2):c.4939C>T (p.Gln1647Ter)

Gene: MYCBP2 (MYC binding protein 2; minus strand). Cytogenetic location: 13q22.3.
Variant type: single nucleotide variant.
Coding change: c.4939C>T on transcript NM_015057.5 (MANE Select); coding-DNA position 4939, C replaced by T.
Protein change: p.Gln1647Ter; replaces glutamine 1647 with a stop codon.
Molecular consequence: nonsense.
Genome position (GRCh38, 1-based): chr13:77,181,703, G>A on the plus strand (C>T on the coding strand, the complement: MYCBP2 is on the minus strand). VCF-style: chr13-77181703-G-A. GRCh37 (hg19) VCF-style: chr13-77755838-G-A.
Other names: short protein forms Q1647*.
Identifiers: ClinVar variation 4526917 (VCV004526917.1).